The following is an entry in ClinVar:

NM_000535.7(PMS2):c.190G>A (p.Asp64Asn)

Gene: PMS2 (PMS1 homolog 2, mismatch repair system component; minus strand). Cytogenetic location: 7p22.1.
Variant type: single nucleotide variant.
Coding change: c.190G>A on transcript NM_000535.7 (MANE Select); coding-DNA position 190, G replaced by A.
Protein change: p.Asp64Asn; replaces aspartic acid 64 with asparagine.
Molecular consequence: missense variant. On other transcripts: 5 prime UTR variant (11), non-coding transcript variant (1).
Genome position (GRCh38, 1-based): chr7:6,004,032, C>T on the plus strand (G>A on the coding strand, the complement: PMS2 is on the minus strand). VCF-style: chr7-6004032-C-T. GRCh37 (hg19) VCF-style: chr7-6043663-C-T.
Other names: c.-216G>A (NM_001322003.2, NM_001322004.2, NM_001322005.2 and 3 more transcripts); c.190G>A, p.Asp64Asn (NM_001322006.2, NM_001322014.2); c.-26G>A (NM_001322007.2, NM_001322008.2); c.-695G>A (NM_001322011.2, NM_001322012.2); c.-295G>A (NM_001322015.2); short protein forms D64N.
Identifiers: ClinVar variation 820320 (VCV000820320.8), dbSNP rs1583410797, ClinGen allele CA366744883.

ClinVar aggregate classification (germline): Uncertain significance. Review status: criteria provided, multiple submitters, no conflicts (2 of 4 stars). 2 submissions from 2 submitters: Uncertain significance (2). Last evaluated 2025-10-17.

Conditions:
Hereditary nonpolyposis colorectal neoplasms. Identifiers: MedGen C0009405, MeSH D003123.
Hereditary cancer-predisposing syndrome. Also called: Neoplastic Syndromes, Hereditary; Tumor predisposition; Hereditary Cancer Syndrome; Hereditary neoplastic syndrome. Identifiers: Orphanet 140162, MedGen C0027672, MeSH D009386, MONDO:0015356.

Allele frequency attached by ClinVar (database versions not stated): gnomAD 0.00001.
gnomAD v4.1: 1 of 1,598,048 alleles (0.000063%); highest among the groups gnomAD compares: African/African-American, 0.0013%; no homozygotes.

Submissions (2):

Ambry Genetics
Classification: Uncertain significance for Hereditary cancer-predisposing syndrome. Last evaluated: 2025-10-17. Review status: criteria provided, single submitter. Criteria: Ambry Variant Classification Scheme 2023. Collection method: clinical testing. Allele origin: germline.
Comment: The p.D64N variant (also known as c.190G>A), located in coding exon 3 of the PMS2 gene, results from a G to A substitution at nucleotide position 190. The aspartic acid at codon 64 is replaced by asparagine, an amino acid with highly similar properties. This amino acid position is not well conserved in available vertebrate species. In addition, the in silico prediction for this alteration is inconclusive. Based on the available evidence, the clinical significance of this variant remains unclear.

Labcorp Genetics (formerly Invitae), Labcorp
Classification: Uncertain significance for Hereditary nonpolyposis colorectal neoplasms. Last evaluated: 2023-03-03. Review status: criteria provided, single submitter. Criteria: Invitae Variant Classification Sherloc (09022015). Collection method: clinical testing. Allele origin: germline.
Comment: In summary, the available evidence is currently insufficient to determine the role of this variant in disease. Therefore, it has been classified as a Variant of Uncertain Significance. Advanced modeling of protein sequence and biophysical properties (such as structural, functional, and spatial information, amino acid conservation, physicochemical variation, residue mobility, and thermodynamic stability) performed at Invitae indicates that this missense variant is expected to disrupt PMS2 protein function. This sequence change replaces aspartic acid, which is acidic and polar, with asparagine, which is neutral and polar, at codon 64 of the PMS2 protein (p.Asp64Asn). This variant is not present in population databases (gnomAD no frequency). This variant has not been reported in the literature in individuals affected with PMS2-related conditions. ClinVar contains an entry for this variant (Variation ID: 820320).